The following is an entry in ClinVar:

NM_006343.3(MERTK):c.2040T>A (p.His680Gln)

Gene: MERTK (MER proto-oncogene, tyrosine kinase; plus strand). Cytogenetic location: 2q13.
Variant type: single nucleotide variant.
Coding change: c.2040T>A on transcript NM_006343.3 (MANE Select); coding-DNA position 2040, T replaced by A.
Protein change: p.His680Gln; replaces histidine 680 with glutamine.
Molecular consequence: missense variant.
Genome position (GRCh38, 1-based): chr2:112,010,027, T>A. VCF-style: chr2-112010027-T-A. GRCh37 (hg19) VCF-style: chr2-112767604-T-A.
Other names: c.2040T>A (NM_006343.2); short protein forms H680Q.
Identifiers: ClinVar variation 1925942 (VCV001925942.4), dbSNP rs377006926, ClinGen allele CA1831648.

ClinVar aggregate classification (germline): Uncertain significance. Review status: criteria provided, multiple submitters, no conflicts (2 of 4 stars). 3 submissions from 3 submitters: Uncertain significance (3). Last evaluated 2026-08-20.

Conditions:
MERTK-related disorder. Also called: MERTK-related condition.

Allele frequency attached by ClinVar (database versions not stated): gnomAD exomes 0.00001; ExAC 0.00002; TOPMed 0.00010; gnomAD 0.00011; ESP Exome Variant Server 0.00015.
gnomAD v4.1: 32 of 1,613,628 alleles (0.002%); highest among the groups gnomAD compares: African/African-American, 0.035%; no homozygotes.

Submissions (3):

PreventionGenetics, part of Exact Sciences
Classification: Uncertain significance for MERTK-related condition. Last evaluated: 2026-08-20. Review status: criteria provided, single submitter. Criteria: ACMG Guidelines, 2015. Collection method: clinical testing. Allele origin: germline.
Comment: The MERTK c.2040T>A variant is predicted to result in the amino acid substitution p.His680Gln. To our knowledge, this variant has not been reported in the literature. This variant is reported in 0.020% of alleles in individuals of African descent in gnomAD. At this time, the clinical significance of this variant is uncertain due to the absence of conclusive functional and genetic evidence.

Blueprint Genetics
Classification: Uncertain significance. Last evaluated: 2022-08-30. Review status: criteria provided, single submitter. Criteria: ACMG Guidelines, 2015. Collection method: clinical testing. Allele origin: germline.

Labcorp Genetics (formerly Invitae), Labcorp
Classification: Uncertain significance. Last evaluated: 2022-06-23. Review status: criteria provided, single submitter. Criteria: Invitae Variant Classification Sherloc (09022015). Collection method: clinical testing. Allele origin: germline.
Comment: This sequence change replaces histidine, which is basic and polar, with glutamine, which is neutral and polar, at codon 680 of the MERTK protein (p.His680Gln). This variant is present in population databases (rs377006926, gnomAD 0.02%). This variant has not been reported in the literature in individuals affected with MERTK-related conditions. Algorithms developed to predict the effect of missense changes on protein structure and function are either unavailable or do not agree on the potential impact of this missense change (SIFT: "Deleterious"; PolyPhen-2: "Probably Damaging"; Align-GVGD: "Class C15"). In summary, the available evidence is currently insufficient to determine the role of this variant in disease. Therefore, it has been classified as a Variant of Uncertain Significance.